The following is an entry in ClinVar:

ClinVar aggregate classification (germline): Likely pathogenic (1 of 4 stars; one submission).

Conditions:
Primary dilated cardiomyopathy (DCM). Also called: Dilated Cardiomyopathy. Identifiers: Orphanet 217604, MedGen C0007193, MeSH D002311, MONDO:0005021, HP:0001644. Inheritance: Various modes of inheritance.

Submission:

Laboratory for Molecular Medicine, Mass General Brigham Personalized Medicine
Classification: Likely pathogenic for Primary dilated cardiomyopathy. Last evaluated: 2023-02-02. Review status: criteria provided, single submitter. Criteria: ACMG Guidelines, 2015. Collection method: clinical testing. Allele origin: germline.
Comment: The p.His31716ThrfsX6 variant in TTN has not been reported in individuals with dilated cardiomyopathy and was absent from large population studies. This variant is predicted to cause a frameshift, which alters the protein’s amino acid sequence beginning at position 31716 and leads to a premature termination codon 6 amino acids downstream. Loss of function of the TTN gene is an established disease mechanism in autosomal dominant dilated cardiomyopathy. ACMG/AMP Criteria applied: PVS1, PM2_Supporting.

NM_001267550.2(TTN):c.102850del (p.His34284fs)

Genes: TTN (titin; minus strand), TTN-AS1 (TTN antisense RNA 1; plus strand). Cytogenetic location: 2q31.2.
Variant type: Deletion.
Coding change: c.102850del on transcript NM_001267550.2 (MANE Select); coding-DNA position 102850, one base deleted (C; older notation c.102850delC).
Protein change: p.His34284fs; shifts the reading frame from histidine 34284.
Molecular consequence: frameshift variant.
Genome position (GRCh38, 1-based): chr2:178,533,765, G deleted on the plus strand (C on the coding strand, the reverse complement: TTN is on the minus strand); the first of 2 consecutive G bases (chr2:178,533,765-178,533,766); deleting either gives the same sequence. VCF-style (leftmost placement, unchanged base first): chr2-178533764-TG-T. GRCh37 (hg19) VCF-style: chr2-179398491-TG-T.
Other names: c.97927del, p.His32643fs (NM_001256850.1); c.75655del, p.His25219fs (NM_003319.4); c.95146del, p.His31716fs (NM_133378.4); c.76030del, p.His25344fs (NM_133432.3); c.76231del, p.His25411fs (NM_133437.4); short protein forms H25219fs, H25344fs, H25411fs, H31716fs, H32643fs, H34284fs.
Identifiers: ClinVar variation 3075939 (VCV003075939.1), dbSNP rs2468507141, ClinGen allele CA2825001008.
Genomic context (GRCh38, chr2:178,533,764, plus strand): 5'-TCATTGTCACCTGGTTTGATTTTCTGACCTGATTTATACCATGTTACATGAGGCTCTGGG[TG>T]GACAGTTATAGTTACTCCAAACCGGACATTTTCACCTACATAAGCTGTCTTATTATAGAG-3'